The following is an entry in ClinVar:

NM_005506.4(SCARB2):c.423+470G>C

Gene: SCARB2 (scavenger receptor class B member 2; minus strand). Cytogenetic location: 4q21.1.
Variant type: single nucleotide variant.
Coding change: c.423+470G>C on transcript NM_005506.4 (MANE Select); 470 bases into the intron after coding-DNA position 423, G replaced by C.
Molecular consequence: intron variant.
Genome position (GRCh38, 1-based): chr4:76,180,484, C>G on the plus strand (G>C on the coding strand, the complement: SCARB2 is on the minus strand). VCF-style: chr4-76180484-C-G. GRCh37 (hg19) VCF-style: chr4-77101637-C-G.
Other names: c.276-4574G>C (NM_001204255.2).
Identifiers: ClinVar variation 3255311 (VCV003255311.2), dbSNP rs7676834.

ClinVar aggregate classification (germline): Benign (1 of 4 stars; one submission).

Allele frequency attached by ClinVar (database versions not stated): gnomAD exomes 0.12680; TOPMed 0.23376; 1000 Genomes Project 0.27676; 1000 Genomes Project 30x 0.27904.
gnomAD v4.1: 34,312 of 153,956 alleles (22%); highest among the groups gnomAD compares: African/African-American, 39%; 4,708 homozygotes.

Submission:

Unidad de Genómica Garrahan, Hospital de Pediatría Garrahan
Classification: Benign. Last evaluated: 2024-07-15. Review status: criteria provided, single submitter. Criteria: ACMG Guidelines, 2015. Collection method: clinical testing. Allele origin: germline. Affected: no. Observed: 20 variant alleles.
Comment: This variant is classified as Benign based on local population frequency. This variant was detected in 22% of patients studied in a panel designed for Epileptic and Developmental Encephalopathy and Progressive Myoclonus Epilepsy. Number of patients: 20. Only high quality variants are reported.